The following is an entry in ClinVar:

ClinVar aggregate classification (germline): Uncertain significance (1 of 4 stars; one submission).

Submission:

Labcorp Genetics (formerly Invitae), Labcorp
Classification: Uncertain significance. Last evaluated: 2024-01-27. Review status: criteria provided, single submitter. Criteria: Invitae Variant Classification Sherloc (09022015). Collection method: clinical testing. Allele origin: germline.
Comment: This sequence change replaces glutamic acid, which is acidic and polar, with aspartic acid, which is acidic and polar, at codon 46 of the JAK1 protein (p.Glu46Asp). This variant is not present in population databases (gnomAD no frequency). This variant has not been reported in the literature in individuals affected with JAK1-related conditions. An algorithm developed to predict the effect of missense changes on protein structure and function (PolyPhen-2) suggests that this variant is likely to be tolerated. In summary, the available evidence is currently insufficient to determine the role of this variant in disease. Therefore, it has been classified as a Variant of Uncertain Significance.

NM_002227.4(JAK1):c.138G>T (p.Glu46Asp)

Genes: JAK1 (Janus kinase 1; minus strand), LOC129930680 (ATAC-STARR-seq lymphoblastoid active region 1132; plus strand). Cytogenetic location: 1p31.3.
Variant type: single nucleotide variant.
Coding change: c.138G>T on transcript NM_002227.4 (MANE Select); coding-DNA position 138, G replaced by T.
Protein change: p.Glu46Asp; replaces glutamic acid 46 with aspartic acid.
Molecular consequence: missense variant.
Genome position (GRCh38, 1-based): chr1:64,883,344, C>A on the plus strand (G>T on the coding strand, the complement: JAK1 is on the minus strand). VCF-style: chr1-64883344-C-A. GRCh37 (hg19) VCF-style: chr1-65349027-C-A.
Other names: c.138G>T, p.Glu46Asp (NM_001320923.2, NM_001321852.2, NM_001321853.2 and 4 more transcripts); short protein forms E46D.
Identifiers: ClinVar variation 3680043 (VCV003680043.2).